The following is an entry in ClinVar:

ClinVar aggregate classification (germline): Pathogenic (1 of 4 stars; one submission).

Conditions:
Dystonia 5 (DRD). Also called: Dystonia, DOPA-responsive, with or without hyperphenylalaninemia; DYSTONIA, PROGRESSIVE, WITH DIURNAL VARIATION; DYSTONIA-PARKINSONISM WITH DIURNAL FLUCTUATION; DYT-GCH1; GTP Cyclohydrolase 1-Deficient Dopa-Responsive Dystonia. Identifiers: Orphanet 98808, MedGen C1851920, MONDO:0007495, OMIM 128230.
GTP cyclohydrolase I deficiency. Identifiers: MedGen C0268467, MONDO:0100184.

Submission:

Labcorp Genetics (formerly Invitae), Labcorp
Classification: Pathogenic for GTP cyclohydrolase I deficiency; Dystonia 5. Last evaluated: 2019-03-12. Review status: criteria provided, single submitter. Criteria: Invitae Variant Classification Sherloc (09022015). Collection method: clinical testing. Allele origin: germline.
Comment: For these reasons, this variant has been classified as Pathogenic. Loss-of-function variants in GCH1 are known to be pathogenic (PMID: 19491146). This variant has not been reported in the literature in individuals with GCH1-related conditions. This variant is not present in population databases (ExAC no frequency). This sequence change creates a premature translational stop signal (p.Pro158Leufs*15) in the GCH1 gene. It is expected to result in an absent or disrupted protein product.

Literature cited by the submitters: PubMed 19491146.

NM_000161.3(GCH1):c.473del (p.Pro158fs)

Gene: GCH1 (GTP cyclohydrolase 1; minus strand). Cytogenetic location: 14q22.2.
Variant type: Deletion.
Coding change: c.473del on transcript NM_000161.3 (MANE Select); coding-DNA position 473, one base deleted (C; older notation c.473delC).
Protein change: p.Pro158fs; shifts the reading frame from proline 158.
Molecular consequence: frameshift variant.
Genome position (GRCh38, 1-based): chr14:54,859,717, G deleted on the plus strand (C on the coding strand, the reverse complement: GCH1 is on the minus strand); the first of 2 consecutive G bases (chr14:54,859,717-54,859,718); deleting either gives the same sequence. VCF-style (leftmost placement, unchanged base first): chr14-54859716-AG-A. GRCh37 (hg19) VCF-style: chr14-55326434-AG-A.
Other names: c.473del, p.Pro158fs (NM_001024024.2, NM_001024070.2, NM_001024071.2); short protein forms P158fs.
Identifiers: ClinVar variation 848233 (VCV000848233.8), dbSNP rs2039866628, ClinGen allele CA916083372.
Genomic context (GRCh38, chr14:54,859,716, plus strand): 5'-TTGTTCACTGCACAGTCACACTTACCTCGCAAGTTTGCTGAGGCCAAGGACTTGCTTGTT[AG>A]GAAGATAACCAATATGGACCTTCAGAGAAGAGACGGAAATCATTAGCTGAGTGAAAATAC-3'